The following is an entry in ClinVar:

NM_053025.4(MYLK):c.2391-2217_3448+2637del

Gene: MYLK (myosin light chain kinase; minus strand). Cytogenetic location: 3q21.1.
Variant type: Deletion.
Coding change: c.2391-2217_3448+2637del on transcript NM_053025.4 (MANE Select); 2217 bases into the intron before coding-DNA position 2391 through 2637 bases into the intron after coding-DNA position 3448, 6,344 bases deleted.
Molecular consequence: splice acceptor variant, splice donor variant.
Genome position (GRCh38, 1-based): chr3:123,697,383-123,703,726, 6,344 bases deleted. GRCh37 (hg19): chr3:123,416,234-123,422,577.
Other names: c.1863-2217_2920+2637del (NM_001321309.2); c.2184-2217_3241+2637del (NM_053028.4, NM_053026.4); c.2391-2217_3448+2637del (NM_053027.4).
Identifiers: ClinVar variation 4820012 (VCV004820012.1).

ClinVar aggregate classification (germline): Likely pathogenic (1 of 4 stars; one submission).

Conditions:
Familial thoracic aortic aneurysm and aortic dissection (TAAD). Also called: Thoracic aortic aneurysms and dissections. Identifiers: Orphanet 91387, MedGen C4707243, MONDO:0019625.

Submission:

Centre of Medical Genetics, University of Antwerp
Classification: Likely pathogenic for Familial thoracic aortic aneurysm and aortic dissection. Last evaluated: 2024-09-06. Review status: criteria provided, single submitter. Criteria: ACMG Guidelines, 2015. Collection method: clinical testing. Allele origin: germline. Affected: yes.
Comment: LP(PVS1; PM2)